The following is an entry in ClinVar:

ClinVar aggregate classification (germline): Pathogenic. Review status: criteria provided, single submitter (1 of 4 stars). 2 submissions from 2 submitters: Pathogenic (1). 1 of the submissions does not count toward it. Last evaluated 2024-11-07.

Conditions:
Marfan syndrome (MFS). Also called: Marfan syndrome type 1; Marfan syndrome, classic; Marfan's syndrome; FBN1-Related Marfan Syndrome; MARFAN SYNDROME, TYPE I. Identifiers: Orphanet 284963, Orphanet 558, MedGen C0024796, MONDO:0007947, OMIM 154700.
Familial thoracic aortic aneurysm and aortic dissection (TAAD). Also called: Thoracic aortic aneurysms and dissections. Identifiers: Orphanet 91387, MedGen C4707243, MONDO:0019625.

Submissions (2):

Labcorp Genetics (formerly Invitae), Labcorp
Classification: Pathogenic for Marfan syndrome; Familial thoracic aortic aneurysm and aortic dissection. Last evaluated: 2024-11-07. Review status: criteria provided, single submitter. Criteria: Invitae Variant Classification Sherloc (09022015). Collection method: clinical testing. Allele origin: germline.
Comment: This sequence change replaces cysteine, which is neutral and slightly polar, with phenylalanine, which is neutral and non-polar, at codon 2204 of the FBN1 protein (p.Cys2204Phe). This variant is not present in population databases (gnomAD no frequency). This missense change has been observed in individuals with Marfan syndrome (PMID: 28973303; internal data). ClinVar contains an entry for this variant (Variation ID: 549353). Invitae Evidence Modeling of protein sequence and biophysical properties (such as structural, functional, and spatial information, amino acid conservation, physicochemical variation, residue mobility, and thermodynamic stability) indicates that this missense variant is expected to disrupt FBN1 protein function with a positive predictive value of 95%. This variant disrupts the p.Cys2204 amino acid residue in FBN1. Other variant(s) that disrupt this residue have been determined to be pathogenic (internal data). This suggests that this residue is clinically significant, and that variants that disrupt this residue are likely to be disease-causing. For these reasons, this variant has been classified as Pathogenic.

Center for Medical Genetics Ghent, University of Ghent
Classification: Likely pathogenic for Marfan syndrome. Last evaluated: 2017-11-07. Review status: no assertion criteria provided. Collection method: clinical testing. Allele origin: germline. Affected: yes. Not counted in ClinVar's aggregate classification.

Literature cited by the submitters: PubMed 28973303 (cited by Labcorp Genetics (formerly Invitae), Labcorp).

NM_000138.5(FBN1):c.6611G>T (p.Cys2204Phe)

Gene: FBN1 (fibrillin 1; minus strand). Cytogenetic location: 15q21.1.
Variant type: single nucleotide variant.
Coding change: c.6611G>T on transcript NM_000138.5 (MANE Select); coding-DNA position 6611, G replaced by T.
Protein change: p.Cys2204Phe; replaces cysteine 2204 with phenylalanine.
Molecular consequence: missense variant.
Genome position (GRCh38, 1-based): chr15:48,434,599, C>A on the plus strand (G>T on the coding strand, the complement: FBN1 is on the minus strand). VCF-style: chr15-48434599-C-A. GRCh37 (hg19) VCF-style: chr15-48726796-C-A.
Other names: short protein forms C2204F.
Identifiers: ClinVar variation 549353 (VCV000549353.3), dbSNP rs886039158, ClinGen allele CA392334598.
Genomic context (GRCh38, chr15:48,434,599, plus strand): 5'-AATTGTTCCCAGGATCAGTACACGTAATCAACTGTTCTCTGTTTAAGAGATGTACCTTCA[C>A]ATGTCATCATTGGACCGGGCTCAAATCCCTCCTCGCAGGTGCATTCAAAACCTCCAATCA-3'
Protein context (NP_000129.3, residues 2194-2214): EGFEPGPMMT[Cys2204Phe]EDINECAQNP